The following is an entry in ClinVar:

NM_004341.5(CAD):c.1606A>G (p.Asn536Asp)

Gene: CAD (carbamoyl-phosphate synthetase 2, aspartate transcarbamylase, and dihydroorotase; plus strand). Cytogenetic location: 2p23.3.
Variant type: single nucleotide variant.
Coding change: c.1606A>G on transcript NM_004341.5 (MANE Select); coding-DNA position 1606, A replaced by G.
Protein change: p.Asn536Asp; replaces asparagine 536 with aspartic acid.
Molecular consequence: missense variant.
Genome position (GRCh38, 1-based): chr2:27,225,229, A>G. VCF-style: chr2-27225229-A-G. GRCh37 (hg19) VCF-style: chr2-27448097-A-G.
Other names: c.1606A>G, p.Asn536Asp (NM_001306079.2); c.1606A>G (NM_004341.3); short protein forms N536D.
Identifiers: ClinVar variation 1443252 (VCV001443252.4), dbSNP rs757485336, ClinGen allele CA1572761.

ClinVar aggregate classification (germline): Uncertain significance. Review status: criteria provided, multiple submitters, no conflicts (2 of 4 stars). 2 submissions from 2 submitters: Uncertain significance (2). Last evaluated 2024-06-25.

Conditions:
Inborn genetic diseases. Identifiers: MedGen C0950123, MeSH D030342.

Allele frequency attached by ClinVar (database versions not stated): ExAC 0.00007.
gnomAD v4.1: 39 of 1,611,474 alleles (0.0024%); highest among the groups gnomAD compares: Admixed American, 0.038%; no homozygotes.

Submissions (2):

Ambry Genetics
Classification: Uncertain significance for Inborn genetic diseases. Last evaluated: 2024-06-25. Review status: criteria provided, single submitter. Criteria: Ambry Variant Classification Scheme 2023. Collection method: clinical testing. Allele origin: germline.

Labcorp Genetics (formerly Invitae), Labcorp
Classification: Uncertain significance. Last evaluated: 2022-07-15. Review status: criteria provided, single submitter. Criteria: Invitae Variant Classification Sherloc (09022015). Collection method: clinical testing. Allele origin: germline.
Comment: This sequence change replaces asparagine, which is neutral and polar, with aspartic acid, which is acidic and polar, at codon 536 of the CAD protein (p.Asn536Asp). This variant is present in population databases (rs757485336, gnomAD 0.06%). This variant has not been reported in the literature in individuals affected with CAD-related conditions. ClinVar contains an entry for this variant (Variation ID: 1443252). Algorithms developed to predict the effect of missense changes on protein structure and function (SIFT, PolyPhen-2, Align-GVGD) all suggest that this variant is likely to be tolerated. In summary, the available evidence is currently insufficient to determine the role of this variant in disease. Therefore, it has been classified as a Variant of Uncertain Significance.